The following is an entry in ClinVar:

NM_000059.4(BRCA2):c.6839del (p.Val2280fs)

Gene: BRCA2 (BRCA2 DNA repair associated; plus strand). Cytogenetic location: 13q13.1.
Variant type: Deletion.
Coding change: c.6839del on transcript NM_000059.4 (MANE Select); coding-DNA position 6839, one base deleted (T; older notation c.6839delT).
Protein change: p.Val2280fs; shifts the reading frame from valine 2280.
Molecular consequence: frameshift variant. On other transcripts: non-coding transcript variant (1), intron variant (2).
Genome position (GRCh38, 1-based): chr13:32,341,194, T deleted. VCF-style (leftmost placement, unchanged base first): chr13-32341193-GT-G. GRCh37 (hg19) VCF-style: chr13-32915330-GT-G.
Other names: c.6839del, p.Val2280fs (NM_001406719.1, NM_001406720.1); c.1910-3364del (NM_001406721.1); c.425-3364del (NM_001406722.1); short protein forms V2280fs.
Identifiers: ClinVar variation 3254379 (VCV003254379.1), dbSNP rs2548534216.

ClinVar aggregate classification (germline): Pathogenic (1 of 4 stars; one submission).

Conditions:
Breast-ovarian cancer, familial, susceptibility to, 2 (BROVCA2). Also called: BRCA2 Hereditary Breast and Ovarian Cancer. Identifiers: Orphanet 145, MedGen C2675520, MONDO:0012933, OMIM 612555. Disease mechanism: loss of function.

Submission:

Myriad Genetics, Inc.
Classification: Pathogenic for Breast-ovarian cancer, familial, susceptibility to, 2. Last evaluated: 2024-04-30. Review status: criteria provided, single submitter. Criteria: Myriad Autosomal Dominant, Autosomal Recessive and X-Linked Classification Criteria (2023). Collection method: clinical testing. Allele origin: unknown.
Comment: This variant is considered pathogenic. This variant creates a frameshift predicted to result in premature protein truncation.